The following is an entry in ClinVar:

ClinVar aggregate classification (germline): Uncertain significance (1 of 4 stars; one submission).

Submission:

GeneDx
Classification: Uncertain significance. Last evaluated: 2024-03-28. Review status: criteria provided, single submitter. Criteria: GeneDx Variant Classification Process June 2021. Collection method: clinical testing. Allele origin: germline. Affected: yes.
Comment: Not observed at significant frequency in large population cohorts (gnomAD); In silico analysis supports that this missense variant has a deleterious effect on protein structure/function; Has not been previously published as pathogenic or benign to our knowledge

NM_001278116.2(L1CAM):c.3613G>A (p.Asp1205Asn)

Gene: L1CAM (L1 cell adhesion molecule; minus strand). Cytogenetic location: Xq28.
Variant type: single nucleotide variant.
Coding change: c.3613G>A on transcript NM_001278116.2 (MANE Select); coding-DNA position 3613, G replaced by A.
Protein change: p.Asp1205Asn; replaces aspartic acid 1205 with asparagine.
Molecular consequence: missense variant.
Genome position (GRCh38, 1-based): chrX:153,862,824, C>T on the plus strand (G>A on the coding strand, the complement: L1CAM is on the minus strand). VCF-style: chrX-153862824-C-T. GRCh37 (hg19) VCF-style: chrX-153128279-C-T.
Other names: c.3613G>A, p.Asp1205Asn (NM_000425.5); c.3586G>A, p.Asp1196Asn (NM_001143963.2); c.3601G>A, p.Asp1201Asn (NM_024003.3); short protein forms D1196N, D1201N, D1205N.
Identifiers: ClinVar variation 2574997 (VCV002574997.2), dbSNP rs2520950511, ClinGen allele CA415107175.